The following is an entry in ClinVar:

NM_000081.4(LYST):c.4235A>G (p.Gln1412Arg)

Gene: LYST (lysosomal trafficking regulator; minus strand). Cytogenetic location: 1q42.3.
Variant type: single nucleotide variant.
Coding change: c.4235A>G on transcript NM_000081.4 (MANE Select); coding-DNA position 4235, A replaced by G.
Protein change: p.Gln1412Arg; replaces glutamine 1412 with arginine.
Molecular consequence: missense variant.
Genome position (GRCh38, 1-based): chr1:235,792,007, T>C on the plus strand (A>G on the coding strand, the complement: LYST is on the minus strand). VCF-style: chr1-235792007-T-C. GRCh37 (hg19) VCF-style: chr1-235955307-T-C.
Other names: c.4235A>G, p.Gln1412Arg (NM_001301365.1); short protein forms Q1412R.
Identifiers: ClinVar variation 2196299 (VCV002196299.1), dbSNP rs779325513, ClinGen allele CA1466888.

ClinVar aggregate classification (germline): Uncertain significance (1 of 4 stars; one submission).

Conditions:
Chédiak-Higashi syndrome (CHS). Also called: Chediak-Higashi Syndrome. Identifiers: Orphanet 167, MedGen C0007965, MONDO:0008963, OMIM 214500.

Allele frequency attached by ClinVar (database versions not stated): TOPMed below 0.00001; ExAC 0.00001; gnomAD 0.00001; gnomAD exomes 0.00001.
gnomAD v4.1: 8 of 1,614,016 alleles (0.0005%); highest among the groups gnomAD compares: Non-Finnish European, 0.00068%; no homozygotes.

Submission:

Labcorp Genetics (formerly Invitae), Labcorp
Classification: Uncertain significance for Chédiak-Higashi syndrome. Last evaluated: 2022-03-27. Review status: criteria provided, single submitter. Criteria: Invitae Variant Classification Sherloc (09022015). Collection method: clinical testing. Allele origin: germline.
Comment: This sequence change replaces glutamine, which is neutral and polar, with arginine, which is basic and polar, at codon 1412 of the LYST protein (p.Gln1412Arg). This variant is present in population databases (rs779325513, gnomAD 0.003%). This variant has not been reported in the literature in individuals affected with LYST-related conditions. Algorithms developed to predict the effect of missense changes on protein structure and function (SIFT, PolyPhen-2, Align-GVGD) all suggest that this variant is likely to be tolerated. In summary, the available evidence is currently insufficient to determine the role of this variant in disease. Therefore, it has been classified as a Variant of Uncertain Significance.